The following is an entry in ClinVar:

ClinVar aggregate classification (germline): Uncertain significance (1 of 4 stars; one submission).

Allele frequency attached by ClinVar (database versions not stated): gnomAD 0.00001; gnomAD exomes 0.00001; TOPMed 0.00001; ExAC 0.00002; 1000 Genomes Project 30x 0.00016; 1000 Genomes Project 0.00020.
gnomAD v4.1: 13 of 1,609,534 alleles (0.00081%); highest among the groups gnomAD compares: South Asian, 0.014%; no homozygotes.

Submission:

Labcorp Genetics (formerly Invitae), Labcorp
Classification: Uncertain significance. Last evaluated: 2022-06-03. Review status: criteria provided, single submitter. Criteria: Invitae Variant Classification Sherloc (09022015). Collection method: clinical testing. Allele origin: germline.
Comment: This sequence change replaces lysine, which is basic and polar, with glutamic acid, which is acidic and polar, at codon 2 of the ROBO1 protein (p.Lys2Glu). This variant is present in population databases (rs528402614, gnomAD 0.02%). This variant has not been reported in the literature in individuals affected with ROBO1-related conditions. Advanced modeling of protein sequence and biophysical properties (such as structural, functional, and spatial information, amino acid conservation, physicochemical variation, residue mobility, and thermodynamic stability) performed at Invitae indicates that this missense variant is not expected to disrupt ROBO1 protein function. In summary, the available evidence is currently insufficient to determine the role of this variant in disease. Therefore, it has been classified as a Variant of Uncertain Significance.

NM_002941.4(ROBO1):c.4A>G (p.Lys2Glu)

Gene: ROBO1 (roundabout guidance receptor 1; minus strand). Cytogenetic location: 3p12.3.
Variant type: single nucleotide variant.
Coding change: c.4A>G on transcript NM_002941.4 (MANE Select); coding-DNA position 4, A replaced by G.
Protein change: p.Lys2Glu; replaces lysine 2 with glutamic acid.
Molecular consequence: missense variant.
Genome position (GRCh38, 1-based): chr3:79,589,908, T>C on the plus strand (A>G on the coding strand, the complement: ROBO1 is on the minus strand). VCF-style: chr3-79589908-T-C. GRCh37 (hg19) VCF-style: chr3-79639058-T-C.
Other names: short protein forms K2E.
Identifiers: ClinVar variation 2070203 (VCV002070203.4), dbSNP rs528402614, ClinGen allele CA2499432.
Genomic context (GRCh38, chr3:79,589,908, plus strand): 5'-GGTGATTTGGGGATAAGCTGAGGAGTGATATCATGACCAAAAAAGGAACATGTTTCCATT[T>C]CATCTTTGTCCCTTCCTTGCATTACAACCAGCCAGTGACAGACAATGTGTTATCTGGGGA-3'
Protein context (NP_002932.1, residues 1-12): M[Lys2Glu]WKHVPFLVMI